The following is an entry in ClinVar:

ClinVar aggregate classification (germline): Likely benign (1 of 4 stars; one submission).

Submission:

CeGaT Center for Human Genetics Tuebingen
Classification: Likely benign. Last evaluated: 2026-05-01. Review status: criteria provided, single submitter. Criteria: CeGaT Center For Human Genetics Tuebingen Variant Classification Criteria Version 2. Collection method: clinical testing. Allele origin: germline. Affected: yes. Observed: 1 variant allele.
Comment: RHOBTB2: BP4, BP7

NM_015178.3(RHOBTB2):c.1092T>A (p.Ala364=)

Gene: RHOBTB2 (Rho related BTB domain containing 2; plus strand). Cytogenetic location: 8p21.3.
Variant type: single nucleotide variant.
Coding change: c.1092T>A on transcript NM_015178.3 (MANE Select); coding-DNA position 1092, T replaced by A.
Protein change: p.Ala364=; no amino-acid change (alanine 364 retained).
Molecular consequence: synonymous variant.
Genome position (GRCh38, 1-based): chr8:23,007,337, T>A. VCF-style: chr8-23007337-T-A. GRCh37 (hg19) VCF-style: chr8-22864850-T-A.
Other names: c.1158T>A, p.Ala386= (NM_001160036.2); c.1113T>A, p.Ala371= (NM_001160037.2); c.1092T>A, p.Ala364= (NM_001374791.1).
Identifiers: ClinVar variation 4873817 (VCV004873817.2).